The following is an entry in ClinVar:

NM_000308.4(CTSA):c.67G>A (p.Ala23Thr)

Genes: CTSA (cathepsin A; plus strand), LOC130065974 (ATAC-STARR-seq lymphoblastoid active region 17954; plus strand). Cytogenetic location: 20q13.12.
Variant type: single nucleotide variant.
Coding change: c.67G>A on transcript NM_000308.4 (MANE Select); coding-DNA position 67, G replaced by A.
Protein change: p.Ala23Thr; replaces alanine 23 with threonine.
Molecular consequence: missense variant. On other transcripts: non-coding transcript variant (1).
Genome position (GRCh38, 1-based): chr20:45,891,635, G>A. VCF-style: chr20-45891635-G-A. GRCh37 (hg19) VCF-style: chr20-44520274-G-A.
Other names: c.67G>A, p.Ala23Thr (NM_001127695.3, NM_001167594.3); short protein forms A23T.
Identifiers: ClinVar variation 952093 (VCV000952093.8), dbSNP rs1986939703, ClinGen allele CA409247770.

ClinVar aggregate classification (germline): Uncertain significance (1 of 4 stars; one submission).

Conditions:
Combined deficiency of sialidase AND beta galactosidase (GSL). Also called: CATHEPSIN A DEFICIENCY; GOLDBERG SYNDROME; NEURAMINIDASE DEFICIENCY WITH BETA-GALACTOSIDASE DEFICIENCY; NEURAMINIDASE/BETA-GALACTOSIDASE EXPRESSION; PPCA DEFICIENCY; PROTECTIVE PROTEIN/CATHEPSIN A DEFICIENCY. Identifiers: Orphanet 351, MedGen C0268233, MONDO:0009737, OMIM 256540.

Submission:

Labcorp Genetics (formerly Invitae), Labcorp
Classification: Uncertain significance for Combined deficiency of sialidase AND beta galactosidase. Last evaluated: 2019-08-18. Review status: criteria provided, single submitter. Criteria: Invitae Variant Classification Sherloc (09022015). Collection method: clinical testing. Allele origin: germline.
Comment: In summary, the available evidence is currently insufficient to determine the role of this variant in disease. Therefore, it has been classified as a Variant of Uncertain Significance. Algorithms developed to predict the effect of missense changes on protein structure and function (SIFT, PolyPhen-2, Align-GVGD) all suggest that this variant is likely to be tolerated, but these predictions have not been confirmed by published functional studies and their clinical significance is uncertain. This variant has not been reported in the literature in individuals with CTSA-related conditions. This variant is not present in population databases (ExAC no frequency). This sequence change replaces alanine with threonine at codon 41 of the CTSA protein (p.Ala41Thr). The alanine residue is moderately conserved and there is a small physicochemical difference between alanine and threonine.